The following is an entry in ClinVar:

ClinVar aggregate classification (germline): Conflicting classifications of pathogenicity. Review status: criteria provided, conflicting classifications (1 of 4 stars). 3 submissions from 3 submitters: Uncertain significance (1); Likely benign (1). 1 of the submissions does not count toward it. Last evaluated 2025-11-25.

Conditions:
Imerslund-Grasbeck syndrome. Also called: Megaloblastic anemia due to inborn errors of metabolism; Imerslund-Gräsbeck syndrome; ENTEROCYTE COBALAMIN MALABSORPTION; ENTEROCYTE INTRINSIC FACTOR RECEPTOR, DEFECT OF; PERNICIOUS ANEMIA, JUVENILE, DUE TO SELECTIVE INTESTINAL MALABSORPTION OF VITAMIN B12, WITH PROTEINURIA. Identifiers: Orphanet 35858, MedGen C4551825, MONDO:0009853.
CUBN-related disorder. Also called: CUBN-related condition.
Inborn genetic diseases. Identifiers: MedGen C0950123, MeSH D030342.

Allele frequency attached by ClinVar (database versions not stated): 1000 Genomes Project 30x 0.00031; gnomAD exomes 0.00013; 1000 Genomes Project 0.00020.
gnomAD v4.1: 210 of 1,613,438 alleles (0.013%); highest among the groups gnomAD compares: South Asian, 0.15%; 1 homozygote.

Submissions (3):

Labcorp Genetics (formerly Invitae), Labcorp
Classification: Likely benign for Imerslund-Grasbeck syndrome. Last evaluated: 2025-11-25. Review status: criteria provided, single submitter. Criteria: Invitae Variant Classification Sherloc (09022015). Collection method: clinical testing. Allele origin: germline.

Ambry Genetics
Classification: Uncertain significance for Inborn genetic diseases. Last evaluated: 2022-08-16. Review status: criteria provided, single submitter. Criteria: Ambry Variant Classification Scheme 2023. Collection method: clinical testing. Allele origin: germline.

PreventionGenetics, part of Exact Sciences
Classification: Likely benign for CUBN-related condition. Last evaluated: 2024-04-18. Review status: no assertion criteria provided. Collection method: clinical testing. Allele origin: germline. Not counted in ClinVar's aggregate classification.
Comment: This variant is classified as likely benign based on ACMG/AMP sequence variant interpretation guidelines (Richards et al. 2015 PMID: 25741868, with internal and published modifications).

NM_001081.4(CUBN):c.2951A>G (p.Asn984Ser)

Gene: CUBN (cubilin; minus strand). Cytogenetic location: 10p13.
Variant type: single nucleotide variant.
Coding change: c.2951A>G on transcript NM_001081.4 (MANE Select); coding-DNA position 2951, A replaced by G.
Protein change: p.Asn984Ser; replaces asparagine 984 with serine.
Molecular consequence: missense variant.
Genome position (GRCh38, 1-based): chr10:17,068,121, T>C on the plus strand (A>G on the coding strand, the complement: CUBN is on the minus strand). VCF-style: chr10-17068121-T-C. GRCh37 (hg19) VCF-style: chr10-17110120-T-C.
Other names: c.2951A>G (NM_001081.3); short protein forms N984S.
Identifiers: ClinVar variation 1130092 (VCV001130092.11), dbSNP rs200851536, ClinGen allele CA5424814.